The following is an entry in ClinVar:

NM_001365088.1(SLC12A6):c.2760G>A (p.Gly920=)

Gene: SLC12A6 (solute carrier family 12 member 6; minus strand). Cytogenetic location: 15q14.
Variant type: single nucleotide variant.
Coding change: c.2760G>A on transcript NM_001365088.1 (MANE Select); coding-DNA position 2760, G replaced by A.
Protein change: p.Gly920=; no amino-acid change (glycine 920 retained).
Molecular consequence: synonymous variant.
Genome position (GRCh38, 1-based): chr15:34,238,274, C>T on the plus strand (G>A on the coding strand, the complement: SLC12A6 is on the minus strand). VCF-style: chr15-34238274-C-T. GRCh37 (hg19) VCF-style: chr15-34530475-C-T.
Other names: c.2583G>A, p.Gly861= (NM_001042494.2, NM_001042495.2); c.2733G>A, p.Gly911= (NM_001042496.2); c.2715G>A, p.Gly905= (NM_001042497.2); c.2607G>A, p.Gly869= (NM_005135.2); c.2760G>A, p.Gly920= (NM_133647.2).
Identifiers: ClinVar variation 1587396 (VCV001587396.26), dbSNP rs1037913626, ClinGen allele CA268660592.

ClinVar aggregate classification (germline): Likely benign. Review status: criteria provided, multiple submitters, no conflicts (2 of 4 stars). 2 submissions from 2 submitters: Likely benign (2). Last evaluated 2024-07-01.

Allele frequency attached by ClinVar (database versions not stated): gnomAD exomes below 0.00001.
gnomAD v4.1: 4 of 1,613,572 alleles (0.00025%); highest among the groups gnomAD compares: South Asian, 0.0011%; no homozygotes.

Submissions (2):

CeGaT Center for Human Genetics Tuebingen
Classification: Likely benign. Last evaluated: 2024-07-01. Review status: criteria provided, single submitter. Criteria: CeGaT Center For Human Genetics Tuebingen Variant Classification Criteria Version 2. Collection method: clinical testing. Allele origin: germline. Affected: yes. Observed: 1 variant allele.
Comment: SLC12A6: PM2:Supporting, BP4, BP7

Labcorp Genetics (formerly Invitae), Labcorp
Classification: Likely benign. Last evaluated: 2024-06-04. Review status: criteria provided, single submitter. Criteria: Invitae Variant Classification Sherloc (09022015). Collection method: clinical testing. Allele origin: germline.